The following is an entry in ClinVar:

NM_006265.3(RAD21):c.129T>G (p.Ser43Arg)

Gene: RAD21 (RAD21 cohesin complex component; minus strand). Cytogenetic location: 8q24.11.
Variant type: single nucleotide variant.
Coding change: c.129T>G on transcript NM_006265.3 (MANE Select); coding-DNA position 129, T replaced by G.
Protein change: p.Ser43Arg; replaces serine 43 with arginine.
Molecular consequence: missense variant.
Genome position (GRCh38, 1-based): chr8:116,866,601, A>C on the plus strand (T>G on the coding strand, the complement: RAD21 is on the minus strand). VCF-style: chr8-116866601-A-C. GRCh37 (hg19) VCF-style: chr8-117878840-A-C.
Other names: short protein forms S43R.
Identifiers: ClinVar variation 3907883 (VCV003907883.1).

ClinVar aggregate classification (germline): Uncertain significance (1 of 4 stars; one submission).

Submission:

GeneDx
Classification: Uncertain significance. Last evaluated: 2024-12-23. Review status: criteria provided, single submitter. Criteria: GeneDx Variant Classification Process June 2021. Collection method: clinical testing. Allele origin: germline. Affected: yes.
Comment: Not observed at significant frequency in large population cohorts (gnomAD); In silico analysis indicates that this missense variant does not alter protein structure/function; Has not been previously published as pathogenic or benign to our knowledge